The following is an entry in ClinVar:

NM_004408.4(DNM1):c.560T>C (p.Leu187Pro)

Genes: DNM1 (dynamin 1; plus strand), LOC113839516 (Sharpr-MPRA regulatory region 8497; plus strand). Cytogenetic location: 9q34.11.
Variant type: single nucleotide variant.
Coding change: c.560T>C on transcript NM_004408.4 (MANE Select); coding-DNA position 560, T replaced by C.
Protein change: p.Leu187Pro; replaces leucine 187 with proline.
Molecular consequence: missense variant.
Genome position (GRCh38, 1-based): chr9:128,219,223, T>C. VCF-style: chr9-128219223-T-C. GRCh37 (hg19) VCF-style: chr9-130981502-T-C.
Other names: c.560T>C, p.Leu187Pro (NM_001005336.3, NM_001288737.2, NM_001288738.2 and 2 more transcripts); c.560T>C (NM_004408.3); short protein forms L187P.
Identifiers: ClinVar variation 2859947 (VCV002859947.4), dbSNP rs2538979798, ClinGen allele CA375011617.

ClinVar aggregate classification (germline): Uncertain significance. Review status: criteria provided, multiple submitters, no conflicts (2 of 4 stars). 2 submissions from 2 submitters: Uncertain significance (2). Last evaluated 2024-01-05.

Conditions:
Developmental and epileptic encephalopathy, 31A. Also called: Epileptic encephalopathy, early infantile, 31; Developmental and epileptic encephalopathy, 31. Identifiers: Orphanet 2382, MedGen C4225357, MONDO:0014598, OMIM 616346.

Submissions (2):

GeneDx
Classification: Uncertain significance. Last evaluated: 2024-01-05. Review status: criteria provided, single submitter. Criteria: GeneDx Variant Classification Process June 2021. Collection method: clinical testing. Allele origin: germline. Affected: yes.
Comment: Not observed at significant frequency in large population cohorts (gnomAD); In silico analysis supports that this missense variant has a deleterious effect on protein structure/function; Has not been previously published as pathogenic or benign to our knowledge

Labcorp Genetics (formerly Invitae), Labcorp
Classification: Uncertain significance for Developmental and epileptic encephalopathy, 31A. Last evaluated: 2023-04-28. Review status: criteria provided, single submitter. Criteria: Invitae Variant Classification Sherloc (09022015). Collection method: clinical testing. Allele origin: germline.
Comment: In summary, the available evidence is currently insufficient to determine the role of this variant in disease. Therefore, it has been classified as a Variant of Uncertain Significance. Advanced modeling of protein sequence and biophysical properties (such as structural, functional, and spatial information, amino acid conservation, physicochemical variation, residue mobility, and thermodynamic stability) performed at Invitae indicates that this missense variant is expected to disrupt DNM1 protein function. This variant has not been reported in the literature in individuals affected with DNM1-related conditions. This variant is not present in population databases (gnomAD no frequency). This sequence change replaces leucine, which is neutral and non-polar, with proline, which is neutral and non-polar, at codon 187 of the DNM1 protein (p.Leu187Pro).